The following is an entry in ClinVar:

NM_015272.5(RPGRIP1L):c.2105A>G (p.Glu702Gly)

Gene: RPGRIP1L (RPGRIP1 like; minus strand). Cytogenetic location: 16q12.2.
Variant type: single nucleotide variant.
Coding change: c.2105A>G on transcript NM_015272.5 (MANE Select); coding-DNA position 2105, A replaced by G.
Protein change: p.Glu702Gly; replaces glutamic acid 702 with glycine.
Molecular consequence: missense variant.
Genome position (GRCh38, 1-based): chr16:53,652,582, T>C on the plus strand (A>G on the coding strand, the complement: RPGRIP1L is on the minus strand). VCF-style: chr16-53652582-T-C. GRCh37 (hg19) VCF-style: chr16-53686494-T-C.
Other names: c.2105A>G, p.Glu702Gly (NM_001127897.4, NM_001308334.3, NM_001330538.2); c.2105A>G (NM_015272.4); short protein forms E702G.
Identifiers: ClinVar variation 1370352 (VCV001370352.9), dbSNP rs193282093, ClinGen allele CA8057639.
Genomic context (GRCh38, chr16:53,652,582, plus strand): 5'-ACATTGTACTTACCAATCAAACTTGCTGTACAAAATATTCGGCCGCTTTTTTCAAGAATT[T>C]CGTGAAATTTTAATTGACATGCTGCAATTGTTTCATATTCTGTGCTATAAGCCTGGTGGA-3'
Protein context (NP_056087.2, residues 692-712): TIAACQLKFH[Glu702Gly]ILEKSGRIFC

ClinVar aggregate classification (germline): Uncertain significance. Review status: criteria provided, multiple submitters, no conflicts (2 of 4 stars). 3 submissions from 3 submitters: Uncertain significance (2). 1 of the submissions does not count toward it. Last evaluated 2024-06-15.

Conditions:
RPGRIP1L-related disorder. Also called: RPGRIP1L-related disorders; RPGRIP1L-related condition. Identifiers: MedGen CN239416.
Meckel syndrome, type 5 (MKS5). Identifiers: Orphanet 564, MedGen C1969052, MONDO:0012695, OMIM 611561.
COACH syndrome 3. Identifiers: MedGen C5436841, MONDO:0030862, OMIM 619113.
Joubert syndrome 7 (JBTS7). Identifiers: Orphanet 220497, MedGen C1969053, MONDO:0012694, OMIM 611560.
Meckel-Gruber syndrome. Also called: GRUBER SYNDROME; Dysencephalia splachnocystica; DYSENCEPHALIA SPLANCHNOCYSTICA. Identifiers: Orphanet 564, MedGen C0265215, MONDO:0018921.
Joubert syndrome. Also called: JOUBERT-BOLTSHAUSER SYNDROME; Familial aplasia of the vermis. Identifiers: Orphanet 475, MedGen C5979921, MONDO:0018772.

Allele frequency attached by ClinVar (database versions not stated): gnomAD exomes 0.00001 and 0.00004; ExAC 0.00004; gnomAD 0.00008 and 0.00009; TOPMed 0.00009; 1000 Genomes Project 30x 0.00031; 1000 Genomes Project 0.00040.
gnomAD v4.1: 23 of 1,614,146 alleles (0.0014%); highest among the groups gnomAD compares: African/African-American, 0.027%; no homozygotes.

Submissions (3):

Fulgent Genetics
Classification: Uncertain significance for Joubert syndrome 7; Meckel syndrome, type 5; COACH syndrome 3. Last evaluated: 2024-06-15. Review status: criteria provided, single submitter. Criteria: ACMG Guidelines, 2015. Collection method: clinical testing. Allele origin: germline.

Labcorp Genetics (formerly Invitae), Labcorp
Classification: Uncertain significance for Joubert syndrome; Meckel-Gruber syndrome. Last evaluated: 2024-01-09. Review status: criteria provided, single submitter. Criteria: Invitae Variant Classification Sherloc (09022015). Collection method: clinical testing. Allele origin: germline.
Comment: This sequence change replaces glutamic acid, which is acidic and polar, with glycine, which is neutral and non-polar, at codon 702 of the RPGRIP1L protein (p.Glu702Gly). This variant is present in population databases (rs193282093, gnomAD 0.06%). This variant has not been reported in the literature in individuals affected with RPGRIP1L-related conditions. ClinVar contains an entry for this variant (Variation ID: 1370352). Advanced modeling of protein sequence and biophysical properties (such as structural, functional, and spatial information, amino acid conservation, physicochemical variation, residue mobility, and thermodynamic stability) performed at Invitae indicates that this missense variant is not expected to disrupt RPGRIP1L protein function with a negative predictive value of 80%. In summary, the available evidence is currently insufficient to determine the role of this variant in disease. Therefore, it has been classified as a Variant of Uncertain Significance.

PreventionGenetics, part of Exact Sciences
Classification: Uncertain significance for RPGRIP1L-related condition. Last evaluated: 2024-05-08. Review status: no assertion criteria provided. Collection method: clinical testing. Allele origin: germline. Not counted in ClinVar's aggregate classification.
Comment: The RPGRIP1L c.2105A>G variant is predicted to result in the amino acid substitution p.Glu702Gly. To our knowledge, this variant has not been reported in the literature. This variant is reported in 0.060% of alleles in individuals of African descent in gnomAD. Although we suspect that this variant may be benign, the clinical significance of this variant is classified as uncertain at this time due to insufficient functional and genetic evidence.